The following is an entry in ClinVar:

ClinVar aggregate classification (germline): Conflicting classifications of pathogenicity. Review status: criteria provided, conflicting classifications (1 of 4 stars). 4 submissions from 4 submitters: Uncertain significance (3); Likely benign (1). Last evaluated 2025-08-10.

Conditions:
SLC4A1-related disorder. Also called: SLC4A1-related disorders; SLC4A1-related condition.
Cryohydrocytosis. Also called: STOMATOCYTOSIS, COLD-SENSITIVE; CRYOHYDROCYTOSIS DUE TO BAND 3 BLACKBURN; CRYOHYDROCYTOSIS DUE TO BAND 3 HEMEL; CRYOHYDROCYTOSIS DUE TO BAND 3 HURSTPIERPOINT; Hereditary cryohydrocytosis with normal stomatin. Identifiers: Orphanet 398088, MedGen C1861453, MONDO:0008494, OMIM 185020.
Autosomal dominant distal renal tubular acidosis (DRTA1). Also called: Renal Tubular Acidosis, Type I; RTA, CLASSIC TYPE; RTA, DISTAL TYPE, AUTOSOMAL DOMINANT; RTA, GRADIENT TYPE; RENAL TUBULAR ACIDOSIS, DISTAL, 1. Identifiers: Orphanet 93608, MedGen CN280572, MONDO:0008368, OMIM 179800.
Renal tubular acidosis, distal, 4, with hemolytic anemia. Also called: Renal Tubular Acidosis, Distal, with Hemolytic Anemia. Identifiers: Orphanet 93610, MedGen C5436235, MONDO:0012700, OMIM 611590.
Malaria, susceptibility to. Identifiers: Orphanet 673, MedGen C1970028, MONDO:0021024, OMIM 611162.
Hereditary spherocytosis type 4. Also called: SLC4A1-Related Spherocytosis. Identifiers: Orphanet 822, MedGen C2675212, MONDO:0012981, OMIM 612653.
BLOOD GROUP, WALDNER (WD). Also called: WALDNER BLOOD GROUP ANTIGEN. Identifiers: MedGen C1862191, OMIM 112010.
BLOOD GROUP--DIEGO SYSTEM (DI). Identifiers: MedGen C1292286, OMIM 110500.
BLOOD GROUP--FROESE (FR). Also called: FROESE BLOOD GROUP ANTIGEN. Identifiers: MedGen C1832168, OMIM 601551.
Southeast Asian ovalocytosis. Also called: HE, STOMATOCYTIC; Elliptocytosis 4; Stomatocytic elliptocytosis, hereditary; Ovalocytosis, Malaysian-Melanesian-Filipino type. Identifiers: Orphanet 98868, MedGen C1862322, MONDO:0008165, OMIM 166900.
BLOOD GROUP--WRIGHT ANTIGEN (WR). Identifiers: MedGen C1862190, OMIM 112050.
BLOOD GROUP--SWANN SYSTEM (SW). Also called: SWANN BLOOD GROUP. Identifiers: MedGen C1832169, OMIM 601550.

Allele frequency attached by ClinVar (database versions not stated): ExAC 0.00003; gnomAD 0.00003; gnomAD exomes 0.00003; TOPMed 0.00003; 1000 Genomes Project 30x 0.00016; 1000 Genomes Project 0.00020.
gnomAD v4.1: 20 of 1,614,098 alleles (0.0012%); highest among the groups gnomAD compares: Admixed American, 0.033%; no homozygotes.

Submissions (4):

PreventionGenetics, part of Exact Sciences
Classification: Uncertain significance for SLC4A1-related condition. Last evaluated: 2025-08-10. Review status: criteria provided, single submitter. Criteria: ACMG Guidelines, 2015. Collection method: clinical testing. Allele origin: germline.
Comment: The SLC4A1 c.1442C>G variant is predicted to result in the amino acid substitution p.Thr481Ser. To our knowledge, this variant has not been reported in the literature. This variant is reported in 0.040% of alleles in individuals of Latino descent in gnomAD. At this time, the clinical significance of this variant is uncertain due to the absence of conclusive functional and genetic evidence.

Labcorp Genetics (formerly Invitae), Labcorp
Classification: Uncertain significance. Last evaluated: 2024-10-16. Review status: criteria provided, single submitter. Criteria: Invitae Variant Classification Sherloc (09022015). Collection method: clinical testing. Allele origin: germline.
Comment: This sequence change replaces threonine, which is neutral and polar, with serine, which is neutral and polar, at codon 481 of the SLC4A1 protein (p.Thr481Ser). This variant is present in population databases (rs199607239, gnomAD 0.04%). This variant has not been reported in the literature in individuals affected with SLC4A1-related conditions. ClinVar contains an entry for this variant (Variation ID: 2044789). Invitae Evidence Modeling of protein sequence and biophysical properties (such as structural, functional, and spatial information, amino acid conservation, physicochemical variation, residue mobility, and thermodynamic stability) indicates that this missense variant is not expected to disrupt SLC4A1 protein function with a negative predictive value of 80%. In summary, the available evidence is currently insufficient to determine the role of this variant in disease. Therefore, it has been classified as a Variant of Uncertain Significance.

Fulgent Genetics
Classification: Uncertain significance for BLOOD GROUP--DIEGO SYSTEM; BLOOD GROUP, WALDNER; BLOOD GROUP--WRIGHT ANTIGEN; Southeast Asian ovalocytosis; Autosomal dominant distal renal tubular acidosis; Cryohydrocytosis; BLOOD GROUP--SWANN SYSTEM; BLOOD GROUP--FROESE; Malaria, susceptibility to; Renal tubular acidosis, distal, 4, with hemolytic anemia; Hereditary spherocytosis type 4. Last evaluated: 2024-02-05. Review status: criteria provided, single submitter. Criteria: ACMG Guidelines, 2015. Collection method: clinical testing. Allele origin: germline.

ARUP Laboratories, Molecular Genetics and Genomics, ARUP Laboratories
Classification: Likely benign. Last evaluated: 2024-02-02. Review status: criteria provided, single submitter. Criteria: ARUP Molecular Germline Variant Investigation Process 2024. Collection method: clinical testing. Allele origin: germline.

NM_000342.4(SLC4A1):c.1442C>G (p.Thr481Ser)

Gene: SLC4A1 (solute carrier family 4 member 1 (Diego blood group); minus strand). Cytogenetic location: 17q21.31.
Variant type: single nucleotide variant.
Coding change: c.1442C>G on transcript NM_000342.4 (MANE Select); coding-DNA position 1442, C replaced by G.
Protein change: p.Thr481Ser; replaces threonine 481 with serine.
Molecular consequence: missense variant.
Genome position (GRCh38, 1-based): chr17:44,257,534, G>C on the plus strand (C>G on the coding strand, the complement: SLC4A1 is on the minus strand). VCF-style: chr17-44257534-G-C. GRCh37 (hg19) VCF-style: chr17-42334902-G-C.
Other names: c.1442C>G (NM_000342.3); short protein forms T481S.
Identifiers: ClinVar variation 2044789 (VCV002044789.7), dbSNP rs199607239, ClinGen allele CA8600265.